The following is an entry in ClinVar:

ClinVar aggregate classification (germline): Pathogenic (1 of 4 stars; one submission).

Submission:

Labcorp Genetics (formerly Invitae), Labcorp
Classification: Pathogenic. Last evaluated: 2022-07-25. Review status: criteria provided, single submitter. Criteria: Invitae Variant Classification Sherloc (09022015). Collection method: clinical testing. Allele origin: germline.
Comment: This sequence change creates a premature translational stop signal (p.Lys578Valfs*7) in the HPS3 gene. It is expected to result in an absent or disrupted protein product. Loss-of-function variants in HPS3 are known to be pathogenic (PMID: 11590544). This variant is not present in population databases (gnomAD no frequency). This variant has not been reported in the literature in individuals affected with HPS3-related conditions. ClinVar contains an entry for this variant (Variation ID: 1389989). For these reasons, this variant has been classified as Pathogenic.

Literature cited by the submitters: PubMed 11590544.

NM_032383.5(HPS3):c.1732_1736del (p.Lys578fs)

Gene: HPS3 (HPS3 biogenesis of lysosomal organelles complex 2 subunit 1; plus strand). Cytogenetic location: 3q24.
Variant type: Deletion.
Coding change: c.1732_1736del on transcript NM_032383.5 (MANE Select); coding-DNA positions 1732 to 1736, 5 bases deleted (AAGAT; older notation c.1732_1736delAAGAT).
Protein change: p.Lys578fs; shifts the reading frame from lysine 578.
Molecular consequence: frameshift variant.
Genome position (GRCh38, 1-based): chr3:149,158,706-149,158,710, AAGAT deleted; deleting any 5 consecutive bases within chr3:149,158,704-149,158,710 gives the same sequence; the c. name uses the placement nearest the transcript's 3' end. VCF-style (leftmost placement, unchanged base first): chr3-149158703-TATAAG-T. GRCh37 (hg19) VCF-style: chr3-148876490-TATAAG-T.
Other names: c.1237_1241del, p.Lys413fs (NM_001308258.2); short protein forms K413fs, K578fs.
Identifiers: ClinVar variation 1389989 (VCV001389989.6), dbSNP rs1723605295, ClinGen allele CA1410098232.